The following is an entry in ClinVar:

NM_001148.6(ANK2):c.7828G>T (p.Asp2610Tyr)

Genes: ANK2 (ankyrin 2; plus strand), LOC126807137 (CDK7 strongly-dependent group 2 enhancer GRCh37_chr4:114276560-114277759; plus strand). Cytogenetic location: 4q26.
Variant type: single nucleotide variant.
Coding change: c.7828G>T on transcript NM_001148.6 (MANE Select); coding-DNA position 7828, G replaced by T.
Protein change: p.Asp2610Tyr; replaces aspartic acid 2610 with tyrosine.
Molecular consequence: missense variant. On other transcripts: intron variant (68).
Genome position (GRCh38, 1-based): chr4:113,356,446, G>T. VCF-style: chr4-113356446-G-T. GRCh37 (hg19) VCF-style: chr4-114277602-G-T.
Other names: c.7594G>T, p.Asp2532Tyr (NM_001386142.1); c.4228G>T, p.Asp1410Tyr (NM_001386166.1); c.7969G>T, p.Asp2657Tyr (NM_001386174.1); c.7945G>T, p.Asp2649Tyr (NM_001386175.1); c.4412-4377G>T (NM_001386186.2, NM_001386148.2); c.4214-4377G>T (NM_001354269.3); c.4292-4377G>T (NM_001386187.2); c.4253-4377G>T (NM_001386147.1); and 35 more; short protein forms D2532Y, D1410Y, D2610Y, D2657Y, D2649Y.
Identifiers: ClinVar variation 1449691 (VCV001449691.10), dbSNP rs767768290, ClinGen allele CA3051656.

ClinVar aggregate classification (germline): Uncertain significance. Review status: criteria provided, multiple submitters, no conflicts (2 of 4 stars). 2 submissions from 2 submitters: Uncertain significance (2). Last evaluated 2021-04-05.

Conditions:
Cardiovascular phenotype. Identifiers: MedGen CN230736.
Long QT syndrome (LQTS). Identifiers: MedGen C0023976, MeSH D008133, MONDO:0002442. Disease mechanism: loss of function. Inheritance: Various modes of inheritance.

Allele frequency attached by ClinVar (database versions not stated): gnomAD 0.00001; TOPMed 0.00001.
gnomAD v4.1: 11 of 1,613,922 alleles (0.00068%); highest among the groups gnomAD compares: Non-Finnish European, 0.00093%; no homozygotes.

Submissions (2):

Labcorp Genetics (formerly Invitae), Labcorp
Classification: Uncertain significance for Long QT syndrome. Last evaluated: 2021-04-05. Review status: criteria provided, single submitter. Criteria: Invitae Variant Classification Sherloc (09022015). Collection method: clinical testing. Allele origin: germline.
Comment: This sequence change replaces aspartic acid with tyrosine at codon 2610 of the ANK2 protein (p.Asp2610Tyr). The aspartic acid residue is moderately conserved and there is a large physicochemical difference between aspartic acid and tyrosine. This variant is present in population databases (rs767768290, ExAC 0.002%). This variant has not been reported in the literature in individuals with ANK2-related conditions. Algorithms developed to predict the effect of missense changes on protein structure and function are either unavailable or do not agree on the potential impact of this missense change (SIFT: "Deleterious"; PolyPhen-2: "Probably Damaging"; Align-GVGD: "Class C0"). Algorithms developed to predict the effect of sequence changes on RNA splicing suggest that this variant may create or strengthen a splice site, but this prediction has not been confirmed by published transcriptional studies. In summary, the available evidence is currently insufficient to determine the role of this variant in disease. Therefore, it has been classified as a Variant of Uncertain Significance.

Ambry Genetics
Classification: Uncertain significance for Cardiovascular phenotype. Last evaluated: 2020-11-04. Review status: criteria provided, single submitter. Criteria: Ambry Variant Classification Scheme 2023. Collection method: clinical testing. Allele origin: germline.
Comment: The p.D2610Y variant (also known as c.7828G>T), located in coding exon 38 of the ANK2 gene, results from a G to T substitution at nucleotide position 7828. This exon is expressed solely in brain (Mohler PJ et al. Circulation. 2007;115(4):432-41). The aspartic acid at codon 2610 is replaced by tyrosine, an amino acid with highly dissimilar properties. This amino acid position is not well conserved in available vertebrate species. In addition, the in silico prediction for this alteration is inconclusive. Since supporting evidence is limited at this time, the clinical significance of this alteration remains unclear.